The following is an entry in ClinVar:

NM_022437.3(ABCG8):c.898A>G (p.Met300Val)

Gene: ABCG8 (ATP binding cassette subfamily G member 8; plus strand). Cytogenetic location: 2p21.
Variant type: single nucleotide variant.
Coding change: c.898A>G on transcript NM_022437.3 (MANE Select); coding-DNA position 898, A replaced by G.
Protein change: p.Met300Val; replaces methionine 300 with valine.
Molecular consequence: missense variant.
Genome position (GRCh38, 1-based): chr2:43,852,802, A>G. VCF-style: chr2-43852802-A-G. GRCh37 (hg19) VCF-style: chr2-44079941-A-G.
Other names: c.898A>G, p.Met300Val (NM_001357321.2); short protein forms M300V.
Identifiers: ClinVar variation 1765338 (VCV001765338.5), dbSNP rs752413010, ClinGen allele CA1637196.

ClinVar aggregate classification (germline): Uncertain significance. Review status: criteria provided, multiple submitters, no conflicts (2 of 4 stars). 3 submissions from 3 submitters: Uncertain significance (3). Last evaluated 2025-12-10.

Conditions:
Cardiovascular phenotype. Identifiers: MedGen CN230736.
Sitosterolemia 1. Identifiers: MedGen C2749759, MONDO:0020747, OMIM 210250.

Allele frequency attached by ClinVar (database versions not stated): ExAC 0.00002; TOPMed 0.00002; gnomAD 0.00003.
gnomAD v4.1: 13 of 1,613,984 alleles (0.00081%); highest among the groups gnomAD compares: African/African-American, 0.004%; no homozygotes.

Submissions (3):

Ambry Genetics
Classification: Uncertain significance for Cardiovascular phenotype. Last evaluated: 2025-12-10. Review status: criteria provided, single submitter. Criteria: Ambry Variant Classification Scheme 2023. Collection method: clinical testing. Allele origin: germline.
Comment: The p.M300V variant (also known as c.898A>G), located in coding exon 6 of the ABCG8 gene, results from an A to G substitution at nucleotide position 898. The methionine at codon 300 is replaced by valine, an amino acid with highly similar properties. This amino acid position is conserved. In addition, this alteration is predicted to be tolerated by in silico analysis. Since supporting evidence is limited at this time, the clinical significance of this alteration remains unclear.

Labcorp Genetics (formerly Invitae), Labcorp
Classification: Uncertain significance. Last evaluated: 2025-11-04. Review status: criteria provided, single submitter. Criteria: Invitae Variant Classification Sherloc (09022015). Collection method: clinical testing. Allele origin: germline.
Comment: This sequence change replaces methionine, which is neutral and non-polar, with valine, which is neutral and non-polar, at codon 300 of the ABCG8 protein (p.Met300Val). This variant is present in population databases (rs752413010, gnomAD 0.006%). This missense change has been observed in individual(s) with ABCG8-related conditions (PMID: 38122934). ClinVar contains an entry for this variant (Variation ID: 1765338). Invitae Evidence Modeling of protein sequence and biophysical properties (such as structural, functional, and spatial information, amino acid conservation, physicochemical variation, residue mobility, and thermodynamic stability) indicates that this missense variant is not expected to disrupt ABCG8 protein function with a negative predictive value of 80%. In summary, the available evidence is currently insufficient to determine the role of this variant in disease. Therefore, it has been classified as a Variant of Uncertain Significance.

Revvity Omics, Revvity
Classification: Uncertain significance for Sitosterolemia 1. Last evaluated: 2025-02-11. Review status: criteria provided, single submitter. Criteria: ACMG Guidelines, 2015. Collection method: clinical testing. Allele origin: germline.

Literature cited by the submitters: PubMed 38122934 (cited by Labcorp Genetics (formerly Invitae), Labcorp).